The following is an entry in ClinVar:

NM_001364905.1(LRBA):c.7299_7303del (p.Phe2433fs)

Gene: LRBA (LPS responsive beige-like anchor protein; minus strand). Cytogenetic location: 4q31.3.
Variant type: Deletion.
Coding change: c.7299_7303del on transcript NM_001364905.1 (MANE Select); coding-DNA positions 7299 to 7303, 5 bases deleted (CTATT; older notation c.7299_7303delCTATT).
Protein change: p.Phe2433fs; shifts the reading frame from phenylalanine 2433.
Molecular consequence: frameshift variant.
Genome position (GRCh38, 1-based): chr4:150,350,051-150,350,055, AATAG deleted on the plus strand (CTATT on the coding strand, the reverse complement: LRBA is on the minus strand); deleting any 5 consecutive bases within chr4:150,350,051-150,350,057 gives the same sequence; the c. name uses the placement nearest the transcript's 3' end. VCF-style (leftmost placement, unchanged base first): chr4-150350050-TAATAG-T. GRCh37 (hg19) VCF-style: chr4-151271202-TAATAG-T.
Other names: c.7299_7303del, p.Phe2433fs (NM_001199282.3, NM_001367550.1, NM_001440431.1); c.7332_7336del, p.Phe2444fs (NM_001440430.1, NM_006726.5); c.1002_1006del, p.Phe334fs (NM_001440432.1); c.996_1000del, p.Phe332fs (NM_001440433.1); short protein forms F2433fs, F332fs, F334fs, F2444fs.
Identifiers: ClinVar variation 4733744 (VCV004733744.1).

ClinVar aggregate classification (germline): Pathogenic (1 of 4 stars; one submission).

Conditions:
Combined immunodeficiency due to LRBA deficiency. Also called: Common variable immunodeficiency 8, with autoimmunity. Identifiers: Orphanet 445018, MedGen C3553512, MONDO:0013863, OMIM 614700.

Submission:

Labcorp Genetics (formerly Invitae), Labcorp
Classification: Pathogenic for Combined immunodeficiency due to LRBA deficiency. Last evaluated: 2025-12-29. Review status: criteria provided, single submitter. Criteria: Invitae Variant Classification Sherloc (09022015). Collection method: clinical testing. Allele origin: germline.
Comment: This sequence change creates a premature translational stop signal (p.Phe2444Leufs*5) in the LRBA gene. It is expected to result in an absent or disrupted protein product. Loss-of-function variants in LRBA are known to be pathogenic (PMID: 26206937, 26768763). This variant is not present in population databases (gnomAD no frequency). This variant has not been reported in the literature in individuals affected with LRBA-related conditions. For these reasons, this variant has been classified as Pathogenic.

Literature cited by the submitters: PubMed 26206937; PubMed 26768763.